The following is an entry in ClinVar:

NM_001034853.2(RPGR):c.3044A>G (p.Glu1015Gly)

Gene: RPGR (retinitis pigmentosa GTPase regulator; minus strand). Cytogenetic location: Xp11.4.
Variant type: single nucleotide variant.
Coding change: c.3044A>G on transcript NM_001034853.2 (MANE Select); coding-DNA position 3044, A replaced by G.
Protein change: p.Glu1015Gly; replaces glutamic acid 1015 with glycine.
Molecular consequence: missense variant. On other transcripts: intron variant (8).
Genome position (GRCh38, 1-based): chrX:38,285,955, T>C on the plus strand (A>G on the coding strand, the complement: RPGR is on the minus strand). VCF-style: chrX-38285955-T-C. GRCh37 (hg19) VCF-style: chrX-38145208-T-C.
Other names: c.1569+5004A>G (NM_001367249.1, NM_001367250.1); c.1902+1139A>G (NM_001367245.1); c.1386+5004A>G (NM_001367251.1); c.1719+1139A>G (NM_001367246.1); c.1572+5004A>G (NM_001367247.1); c.1905+1139A>G (NM_000328.3); c.1602+5004A>G (NM_001367248.1); short protein forms E1015G.
Identifiers: ClinVar variation 2097485 (VCV002097485.4), dbSNP rs2147191861, ClinGen allele CA412729142.
Genomic context (GRCh38, chrX:38,285,955, plus strand): 5'-TCTCCTTCCCCCTCTCCTTCCTCCCCTTCCACCTCCCCTTCCACTTCCCCTTCCTCTTCT[T>C]CCTCCCCTTCTCCCTCCCCTTCTTCCTCTCCCTCTCCTTCTTCCTCCCCTTCTTCTTCCC-3'
Protein context (NP_001030025.1, residues 1005-1025): GEEEGEGEGE[Glu1015Gly]EEEGEVEGEV

ClinVar aggregate classification (germline): Uncertain significance (1 of 4 stars; one submission).

Conditions:
Primary ciliary dyskinesia. Also called: Ciliary dyskinesia. Identifiers: Orphanet 244, MedGen C0008780, MONDO:0016575, HP:0012265.

Submission:

Labcorp Genetics (formerly Invitae), Labcorp
Classification: Uncertain significance for Primary ciliary dyskinesia. Last evaluated: 2022-02-13. Review status: criteria provided, single submitter. Criteria: Invitae Variant Classification Sherloc (09022015). Collection method: clinical testing. Allele origin: germline.
Comment: This sequence change replaces glutamic acid, which is acidic and polar, with glycine, which is neutral and non-polar, at codon 1015 of the RPGR (ORF15) protein (p.Glu1015Gly). This variant is not present in population databases (gnomAD no frequency). In summary, the available evidence is currently insufficient to determine the role of this variant in disease. Therefore, it has been classified as a Variant of Uncertain Significance. Algorithms developed to predict the effect of missense changes on protein structure and function output the following: SIFT: "Not Available"; PolyPhen-2: "Not Available"; Align-GVGD: "Not Available". The glycine amino acid residue is found in multiple mammalian species, which suggests that this missense change does not adversely affect protein function. This variant has not been reported in the literature in individuals affected with RPGR (ORF15)-related conditions.